The following is an entry in ClinVar:

NM_004638.4(PRRC2A):c.4246G>A (p.Gly1416Ser)

Gene: PRRC2A (proline rich coiled-coil 2A; plus strand). Cytogenetic location: 6p21.33.
Variant type: single nucleotide variant.
Coding change: c.4246G>A on transcript NM_004638.4 (MANE Select); coding-DNA position 4246, G replaced by A.
Protein change: p.Gly1416Ser; replaces glycine 1416 with serine.
Molecular consequence: missense variant.
Genome position (GRCh38, 1-based): chr6:31,632,919, G>A. VCF-style: chr6-31632919-G-A. GRCh37 (hg19) VCF-style: chr6-31600696-G-A.
Other names: c.4246G>A, p.Gly1416Ser (NM_080686.3); short protein forms G1416S.
Identifiers: ClinVar variation 3042347 (VCV003042347.2), dbSNP rs62623662, ClinGen allele CA3716139.

ClinVar aggregate classification (germline): Benign (0 of 4 stars; one submission).

Conditions:
PRRC2A-related disorder. Also called: PRRC2A-related condition.

Allele frequency attached by ClinVar (database versions not stated): ESP Exome Variant Server 0.00558; TOPMed 0.00827; 1000 Genomes Project 30x 0.00874; 1000 Genomes Project 0.00899; gnomAD exomes 0.01300.
gnomAD v4.1: 20,051 of 1,612,490 alleles (1.2%); highest among the groups gnomAD compares: East Asian, 3.5%; 158 homozygotes.

Submission:

PreventionGenetics, part of Exact Sciences
Classification: Benign for PRRC2A-related condition. Last evaluated: 2019-03-27. Review status: no assertion criteria provided. Collection method: clinical testing. Allele origin: germline.
Comment: This variant is classified as benign based on ACMG/AMP sequence variant interpretation guidelines (Richards et al. 2015 PMID: 25741868, with internal and published modifications).